The following is an entry in ClinVar:

NM_000384.3(APOB):c.10360G>A (p.Val3454Ile)

Gene: APOB (apolipoprotein B; minus strand). Cytogenetic location: 2p24.1.
Variant type: single nucleotide variant.
Coding change: c.10360G>A on transcript NM_000384.3 (MANE Select); coding-DNA position 10360, G replaced by A.
Protein change: p.Val3454Ile; replaces valine 3454 with isoleucine.
Molecular consequence: missense variant.
Genome position (GRCh38, 1-based): chr2:21,006,508, C>T on the plus strand (G>A on the coding strand, the complement: APOB is on the minus strand). VCF-style: chr2-21006508-C-T. GRCh37 (hg19) VCF-style: chr2-21229380-C-T.
Other names: short protein forms V3454I.
Identifiers: ClinVar variation 2501497 (VCV002501497.1), dbSNP rs2465359931, ClinGen allele CA345986703.

ClinVar aggregate classification (germline): Uncertain significance (1 of 4 stars; one submission).

Allele frequency attached by ClinVar (database versions not stated): gnomAD exomes below 0.00001.
gnomAD v4.1: 1 of 1,614,100 alleles (0.000062%); highest among the groups gnomAD compares: Non-Finnish European, 0.000085%; no homozygotes.

Submission:

GeneDx
Classification: Uncertain significance. Last evaluated: 2022-11-04. Review status: criteria provided, single submitter. Criteria: GeneDx Variant Classification Process June 2021. Collection method: clinical testing. Allele origin: germline. Affected: yes.
Comment: Not observed at significant frequency in large population cohorts (gnomAD); In silico analysis supports that this missense variant does not alter protein structure/function; Has not been previously published as pathogenic or benign to our knowledge